The following is an entry in ClinVar:

NM_002691.4(POLD1):c.658G>C (p.Val220Leu)

Gene: POLD1 (DNA polymerase delta 1, catalytic subunit; plus strand). Cytogenetic location: 19q13.33.
Variant type: single nucleotide variant.
Coding change: c.658G>C on transcript NM_002691.4 (MANE Select); coding-DNA position 658, G replaced by C.
Protein change: p.Val220Leu; replaces valine 220 with leucine.
Molecular consequence: missense variant. On other transcripts: non-coding transcript variant (1).
Genome position (GRCh38, 1-based): chr19:50,402,273, G>C. VCF-style: chr19-50402273-G-C. GRCh37 (hg19) VCF-style: chr19-50905530-G-C.
Other names: c.658G>C (NM_002691.2); c.658G>C, p.Val220Leu (NM_001256849.1, NM_001308632.1); short protein forms V220L.
Identifiers: ClinVar variation 2786294 (VCV002786294.4), dbSNP rs749052483, ClinGen allele CA406974175.

ClinVar aggregate classification (germline): Uncertain significance. Review status: criteria provided, multiple submitters, no conflicts (2 of 4 stars). 2 submissions from 2 submitters: Uncertain significance (2). Last evaluated 2024-10-27.

Conditions:
POLD1-related polyposis and colorectal cancer syndrome (CRCS10). Also called: Colorectal cancer 10; Colorectal cancer, susceptibility to, 10; COLORECTAL CANCER, SUSCEPTIBILITY TO, ON CHROMOSOME 19q. Identifiers: Orphanet 220460, MedGen C2675481, MONDO:0012953, OMIM 612591.
Hereditary cancer-predisposing syndrome. Also called: Tumor predisposition; Hereditary Cancer Syndrome; Hereditary neoplastic syndrome; Neoplastic Syndromes, Hereditary. Identifiers: Orphanet 140162, MedGen C0027672, MeSH D009386, MONDO:0015356.

Submissions (2):

Labcorp Genetics (formerly Invitae), Labcorp
Classification: Uncertain significance for POLD1-related polyposis and colorectal cancer syndrome. Last evaluated: 2024-10-27. Review status: criteria provided, single submitter. Criteria: Invitae Variant Classification Sherloc (09022015). Collection method: clinical testing. Allele origin: germline.
Comment: This sequence change replaces valine, which is neutral and non-polar, with leucine, which is neutral and non-polar, at codon 220 of the POLD1 protein (p.Val220Leu). This variant is not present in population databases (gnomAD no frequency). This variant has not been reported in the literature in individuals affected with POLD1-related conditions. Invitae Evidence Modeling of protein sequence and biophysical properties (such as structural, functional, and spatial information, amino acid conservation, physicochemical variation, residue mobility, and thermodynamic stability) indicates that this missense variant is not expected to disrupt POLD1 protein function with a negative predictive value of 80%. In summary, the available evidence is currently insufficient to determine the role of this variant in disease. Therefore, it has been classified as a Variant of Uncertain Significance.

Ambry Genetics
Classification: Uncertain significance for Hereditary cancer-predisposing syndrome. Last evaluated: 2023-10-29. Review status: criteria provided, single submitter. Criteria: Ambry Variant Classification Scheme 2023. Collection method: clinical testing. Allele origin: germline.
Comment: The p.V220L variant (also known as c.658G>C), located in coding exon 5 of the POLD1 gene, results from a G to C substitution at nucleotide position 658. The valine at codon 220 is replaced by leucine, an amino acid with highly similar properties. This amino acid position is conserved. In addition, this alteration is predicted to be tolerated by in silico analysis. Since supporting evidence is limited at this time, the clinical significance of this alteration remains unclear.